The following is an entry in ClinVar:

NM_001042492.3(NF1):c.4226T>G (p.Met1409Arg)

Gene: NF1 (neurofibromin 1; plus strand). Cytogenetic location: 17q11.2.
Variant type: single nucleotide variant.
Coding change: c.4226T>G on transcript NM_001042492.3 (MANE Select); coding-DNA position 4226, T replaced by G.
Protein change: p.Met1409Arg; replaces methionine 1409 with arginine.
Molecular consequence: missense variant.
Genome position (GRCh38, 1-based): chr17:31,258,396, T>G. VCF-style: chr17-31258396-T-G. GRCh37 (hg19) VCF-style: chr17-29585414-T-G.
Other names: c.4163T>G, p.Met1388Arg (NM_000267.4); short protein forms M1388R, M1409R.
Identifiers: ClinVar variation 957853 (VCV000957853.10), dbSNP rs1555618508, ClinGen allele CA398997787.

ClinVar aggregate classification (germline): Conflicting classifications of pathogenicity. Review status: criteria provided, conflicting classifications (1 of 4 stars). 3 submissions from 3 submitters: Likely pathogenic (1); Uncertain significance (2). Last evaluated 2025-04-29.

Conditions:
Neurofibromatosis, type 1 (NF1). Also called: Peripheral type neurofibromatosis; VON RECKLINGHAUSEN DISEASE; NEUROFIBROMATOSIS, TYPE I, SOMATIC; Neurofibromatosis, type I. Identifiers: Orphanet 636, MedGen C0027831, MONDO:0018975, OMIM 162200. Disease mechanism: loss of function.

Submissions (3):

Quest Diagnostics Nichols Institute San Juan Capistrano
Classification: Uncertain significance. Last evaluated: 2025-04-29. Review status: criteria provided, single submitter. Criteria: Quest Diagnostics criteria. Collection method: clinical testing. Allele origin: unknown.

MGZ Medical Genetics Center
Classification: Uncertain significance for Neurofibromatosis, type 1. Last evaluated: 2022-08-18. Review status: criteria provided, single submitter. Criteria: ACMG Guidelines, 2015. Collection method: clinical testing. Allele origin: germline. Affected: yes. Observed: 1 variant allele.
Comment: ACMG criteria applied: PM1, PM2_SUP, PP2, PP3

Labcorp Genetics (formerly Invitae), Labcorp
Classification: Likely pathogenic for Neurofibromatosis, type 1. Last evaluated: 2022-05-06. Review status: criteria provided, single submitter. Criteria: Invitae Variant Classification Sherloc (09022015). Collection method: clinical testing. Allele origin: germline.
Comment: In summary, the currently available evidence indicates that the variant is pathogenic, but additional data are needed to prove that conclusively. Therefore, this variant has been classified as Likely Pathogenic. Advanced modeling of protein sequence and biophysical properties (such as structural, functional, and spatial information, amino acid conservation, physicochemical variation, residue mobility, and thermodynamic stability) performed at Invitae indicates that this missense variant is expected to disrupt NF1 protein function. ClinVar contains an entry for this variant (Variation ID: 957853). This missense change has been observed in individual(s) with neurofibromatosis, type 1 (Invitae). This variant is not present in population databases (gnomAD no frequency). This sequence change replaces methionine, which is neutral and non-polar, with arginine, which is basic and polar, at codon 1388 of the NF1 protein (p.Met1388Arg).